The following is an entry in ClinVar:

NM_001267550.2(TTN):c.65275+1G>A

Genes: TTN-AS1 (TTN antisense RNA 1; plus strand), TTN (titin; minus strand). Cytogenetic location: 2q31.2.
Variant type: single nucleotide variant.
Coding change: c.65275+1G>A on transcript NM_001267550.2 (MANE Select); the canonical splice donor site of the intron after coding-DNA position 65275, G replaced by A.
Molecular consequence: splice donor variant.
Genome position (GRCh38, 1-based): chr2:178,584,275, C>T on the plus strand (G>A on the coding strand, the complement: TTN is on the minus strand). VCF-style: chr2-178584275-C-T. GRCh37 (hg19) VCF-style: chr2-179449002-C-T.
Other names: c.38080+1G>A (NM_003319.4); c.38656+1G>A (NM_133437.4); c.38455+1G>A (NM_133432.3); c.57571+1G>A (NM_133378.4); c.60352+1G>A (NM_001256850.1).
Identifiers: ClinVar variation 3754834 (VCV003754834.2).

ClinVar aggregate classification (germline): Likely pathogenic (1 of 4 stars; one submission).

Conditions:
Autosomal recessive limb-girdle muscular dystrophy type 2J (LGMDR10). Also called: Limb-girdle muscular dystrophy, type 2J; MUSCULAR DYSTROPHY, LIMB-GIRDLE, AUTOSOMAL RECESSIVE 10. Identifiers: Orphanet 140922, MedGen C1837342, MONDO:0012127, OMIM 608807.
Dilated cardiomyopathy 1G (CMD1G). Identifiers: Orphanet 154, MedGen C1858763, MONDO:0011400, OMIM 604145.

gnomAD v4.1: 1 of 1,547,152 alleles (0.000065%); no homozygotes.

Submission:

Labcorp Genetics (formerly Invitae), Labcorp
Classification: Likely pathogenic for Dilated cardiomyopathy 1G; Autosomal recessive limb-girdle muscular dystrophy type 2J. Last evaluated: 2024-02-20. Review status: criteria provided, single submitter. Criteria: Invitae Variant Classification Sherloc (09022015). Collection method: clinical testing. Allele origin: germline.
Comment: This sequence change affects a donor splice site in intron 311 of the TTN gene. It is expected to disrupt RNA splicing and likely results in a truncated or disrupted TTN protein. This variant is present in population databases (rs772843200, gnomAD 0.02%). Disruption of this splice site has been observed in individual(s) with dilated cardiomyopathy (Invitae). Algorithms developed to predict the effect of sequence changes on RNA splicing suggest that this variant may disrupt the consensus splice site. This variant is located in the A band of TTN (PMID: 25589632). Truncating variants in this region are significantly overrepresented in patients affected with dilated cardiomyopathy (PMID: 25589632). Truncating variants in this region have also been reported in individuals affected with autosomal recessive centronuclear myopathy (PMID: 23975875). In summary, the currently available evidence indicates that the variant is pathogenic, but additional data are needed to prove that conclusively. Therefore, this variant has been classified as Likely Pathogenic.

Literature cited by the submitters: PubMed 25589632; PubMed 23975875.